The following is an entry in ClinVar:

NM_001365999.1(SZT2):c.2914C>T (p.Pro972Ser)

Gene: SZT2 (SZT2 subunit of KICSTOR complex; plus strand). Cytogenetic location: 1p34.2.
Variant type: single nucleotide variant.
Coding change: c.2914C>T on transcript NM_001365999.1 (MANE Select); coding-DNA position 2914, C replaced by T.
Protein change: p.Pro972Ser; replaces proline 972 with serine.
Molecular consequence: missense variant.
Genome position (GRCh38, 1-based): chr1:43,425,934, C>T. VCF-style: chr1-43425934-C-T. GRCh37 (hg19) VCF-style: chr1-43891605-C-T.
Other names: c.2914C>T, p.Pro972Ser (NM_015284.4); short protein forms P972S.
Identifiers: ClinVar variation 858927 (VCV000858927.9), dbSNP rs1223267159, ClinGen allele CA340015855.

ClinVar aggregate classification (germline): Uncertain significance (1 of 4 stars; one submission).

Allele frequency attached by ClinVar (database versions not stated): gnomAD exomes below 0.00001; TOPMed 0.00001.
gnomAD v4.1: 1 of 1,614,072 alleles (0.000062%); highest among the groups gnomAD compares: Non-Finnish European, 0.000085%; no homozygotes.

Submission:

Labcorp Genetics (formerly Invitae), Labcorp
Classification: Uncertain significance. Last evaluated: 2019-02-04. Review status: criteria provided, single submitter. Criteria: Invitae Variant Classification Sherloc (09022015). Collection method: clinical testing. Allele origin: germline.
Comment: This variant has not been reported in the literature in individuals with SZT2-related conditions. Algorithms developed to predict the effect of missense changes on protein structure and function (SIFT, PolyPhen-2, Align-GVGD) all suggest that this variant is likely to be tolerated, but these predictions have not been confirmed by published functional studies and their clinical significance is uncertain. In summary, the available evidence is currently insufficient to determine the role of this variant in disease. Therefore, it has been classified as a Variant of Uncertain Significance. This variant is not present in population databases (ExAC no frequency). This sequence change replaces proline with serine at codon 972 of the SZT2 protein (p.Pro972Ser). The proline residue is highly conserved and there is a moderate physicochemical difference between proline and serine.